The following is an entry in ClinVar:

ClinVar aggregate classification (germline): Likely benign. Review status: criteria provided, single submitter (1 of 4 stars). 2 submissions from 2 submitters: Likely benign (1). 1 of the submissions does not count toward it. Last evaluated 2023-06-14.

Conditions:
PCNT-related disorder. Also called: PCNT-related condition.

gnomAD v4.1: 66 of 1,596,828 alleles (0.0041%); highest among the groups gnomAD compares: Middle Eastern, 0.017%; no homozygotes.

Submissions (2):

Labcorp Genetics (formerly Invitae), Labcorp
Classification: Likely benign. Last evaluated: 2023-06-14. Review status: criteria provided, single submitter. Criteria: Invitae Variant Classification Sherloc (09022015). Collection method: clinical testing. Allele origin: germline.

PreventionGenetics, part of Exact Sciences
Classification: Likely benign for PCNT-related condition. Last evaluated: 2021-12-29. Review status: no assertion criteria provided. Collection method: clinical testing. Allele origin: germline. Not counted in ClinVar's aggregate classification.
Comment: This variant is classified as likely benign based on ACMG/AMP sequence variant interpretation guidelines (Richards et al. 2015 PMID: 25741868, with internal and published modifications).

NM_006031.6(PCNT):c.747G>T (p.Ala249=)

Gene: PCNT (pericentrin; plus strand). Cytogenetic location: 21q22.3.
Variant type: single nucleotide variant.
Coding change: c.747G>T on transcript NM_006031.6 (MANE Select); coding-DNA position 747, G replaced by T.
Protein change: p.Ala249=; no amino-acid change (alanine 249 retained).
Molecular consequence: synonymous variant.
Genome position (GRCh38, 1-based): chr21:46,346,769, G>T. VCF-style: chr21-46346769-G-T. GRCh37 (hg19) VCF-style: chr21-47766683-G-T.
Other names: c.747G>T (NM_006031.5); c.393G>T, p.Ala131= (NM_001315529.2).
Identifiers: ClinVar variation 3001147 (VCV003001147.5), dbSNP rs779621529, ClinGen allele CA10078404.
Genomic context (GRCh38, chr21:46,346,769, plus strand): 5'-TGGGCCCTTATCAGAGGCCTTTTCTCCGCCGCAGGCCGTGCATGGCCTTGAGCTGGAGGC[G>T]CTGCGCCTGAGTCTGAGCAACATGCACACGGCGCAGCTGGAGCTGACACAGGCCAACCTC-3'
Protein context (NP_006022.3, residues 239-259): SQAVHGLELE[Ala249=]LRLSLSNMHT